The following is an entry in ClinVar:

NM_001042492.3(NF1):c.5528C>T (p.Thr1843Ile)

Gene: NF1 (neurofibromin 1; plus strand). Cytogenetic location: 17q11.2.
Variant type: single nucleotide variant.
Coding change: c.5528C>T on transcript NM_001042492.3 (MANE Select); coding-DNA position 5528, C replaced by T.
Protein change: p.Thr1843Ile; replaces threonine 1843 with isoleucine.
Molecular consequence: missense variant.
Genome position (GRCh38, 1-based): chr17:31,327,758, C>T. VCF-style: chr17-31327758-C-T. GRCh37 (hg19) VCF-style: chr17-29654776-C-T.
Other names: c.5465C>T, p.Thr1822Ile (NM_000267.4); short protein forms T1843I, T1822I.
Identifiers: ClinVar variation 571804 (VCV000571804.5), dbSNP rs1567612632, ClinGen allele CA399009768.

ClinVar aggregate classification (germline): Uncertain significance (1 of 4 stars; one submission).

Conditions:
Neurofibromatosis, type 1 (NF1). Also called: Peripheral type neurofibromatosis; VON RECKLINGHAUSEN DISEASE; Neurofibromatosis, type I; NEUROFIBROMATOSIS, TYPE I, SOMATIC. Identifiers: Orphanet 636, MedGen C0027831, MONDO:0018975, OMIM 162200. Disease mechanism: loss of function.

Submission:

Labcorp Genetics (formerly Invitae), Labcorp
Classification: Uncertain significance for Neurofibromatosis, type 1. Last evaluated: 2024-02-15. Review status: criteria provided, single submitter. Criteria: Invitae Variant Classification Sherloc (09022015). Collection method: clinical testing. Allele origin: germline.
Comment: This sequence change replaces threonine, which is neutral and polar, with isoleucine, which is neutral and non-polar, at codon 1822 of the NF1 protein (p.Thr1822Ile). This variant is not present in population databases (gnomAD no frequency). This variant has not been reported in the literature in individuals affected with NF1-related conditions. ClinVar contains an entry for this variant (Variation ID: 571804). Advanced modeling of protein sequence and biophysical properties (such as structural, functional, and spatial information, amino acid conservation, physicochemical variation, residue mobility, and thermodynamic stability) performed at Invitae indicates that this missense variant is expected to disrupt NF1 protein function with a positive predictive value of 95%. In summary, the available evidence is currently insufficient to determine the role of this variant in disease. Therefore, it has been classified as a Variant of Uncertain Significance.